The following is an entry in ClinVar:

ClinVar aggregate classification (germline): Uncertain significance. Review status: criteria provided, multiple submitters, no conflicts (2 of 4 stars). 4 submissions from 4 submitters: Uncertain significance (4). Last evaluated 2025-01-21.

Conditions:
Wilms tumor 1 (WT1). Also called: Wilms tumor, somatic. Identifiers: Orphanet 654, MedGen CN033288, MONDO:0008679, OMIM 194070.
11p partial monosomy syndrome (WAGR). Also called: WAGR Complex; WAGR syndrome; WAGR Spectrum Disorder; CHROMOSOME 11p13 DELETION SYNDROME. Identifiers: Orphanet 893, MedGen C0206115, MONDO:0008681, OMIM 194072.
Drash syndrome (DDS). Also called: WILMS TUMOR AND PSEUDO- OR TRUE HERMAPHRODITISM; NEPHROPATHY, WILMS TUMOR, AND GENITAL ANOMALIES. Identifiers: Orphanet 220, MedGen C0950121, MONDO:0008682, OMIM 194080.
Frasier syndrome. Identifiers: Orphanet 347, MedGen C0950122, MeSH D052159, MONDO:0007635, OMIM 136680.
Inborn genetic diseases. Identifiers: MedGen C0950123, MeSH D030342.

Allele frequency attached by ClinVar (database versions not stated): gnomAD exomes below 0.00001; ExAC 0.00001; gnomAD 0.00001; TOPMed 0.00001.
gnomAD v4.1: 7 of 1,614,078 alleles (0.00043%); highest among the groups gnomAD compares: Non-Finnish European, 0.00059%; no homozygotes.

Submissions (4):

Ambry Genetics
Classification: Uncertain significance for Inborn genetic diseases. Last evaluated: 2025-01-21. Review status: criteria provided, single submitter. Criteria: Ambry Variant Classification Scheme 2023. Collection method: clinical testing. Allele origin: germline.
Comment: The p.N399H variant (also known as c.1195A>C), located in coding exon 7 of the WT1 gene, results from an A to C substitution at nucleotide position 1195. The asparagine at codon 399 is replaced by histidine, an amino acid with similar properties. This amino acid position is well conserved in available vertebrate species. In addition, this alteration is predicted to be tolerated by in silico analysis. Based on the available evidence, the clinical significance of this variant remains unclear.

Labcorp Genetics (formerly Invitae), Labcorp
Classification: Uncertain significance for Wilms tumor 1; Drash syndrome; 11p partial monosomy syndrome; Frasier syndrome. Last evaluated: 2024-10-22. Review status: criteria provided, single submitter. Criteria: Invitae Variant Classification Sherloc (09022015). Collection method: clinical testing. Allele origin: germline.
Comment: This sequence change replaces asparagine, which is neutral and polar, with histidine, which is basic and polar, at codon 399 of the WT1 protein (p.Asn399His). This variant is present in population databases (rs774976881, gnomAD 0.0009%). This variant has not been reported in the literature in individuals affected with WT1-related conditions. ClinVar contains an entry for this variant (Variation ID: 1000130). Invitae Evidence Modeling of protein sequence and biophysical properties (such as structural, functional, and spatial information, amino acid conservation, physicochemical variation, residue mobility, and thermodynamic stability) indicates that this missense variant is not expected to disrupt WT1 protein function with a negative predictive value of 95%. In summary, the available evidence is currently insufficient to determine the role of this variant in disease. Therefore, it has been classified as a Variant of Uncertain Significance.

All of Us Research Program, National Institutes of Health
Classification: Uncertain significance for Wilms tumor 1. Last evaluated: 2023-11-02. Review status: criteria provided, single submitter. Criteria: ACMG Guidelines, 2015. Collection method: clinical testing. Allele origin: germline. Inheritance: Autosomal dominant inheritance. Observed: 1 variant allele, 1 heterozygote.
Comment: This missense variant replaces asparagine with histidine at codon 399 of the WT1 protein. Computational prediction suggests that this variant may not impact protein structure and function (internally defined REVEL score threshold <= 0.5, PMID: 27666373). To our knowledge, functional studies have not been reported for this variant. This variant has not been reported in individuals affected with WT1-related disorders in the literature. This variant has been identified in 1/251460 chromosomes in the general population by the Genome Aggregation Database (gnomAD). The available evidence is insufficient to determine the role of this variant in disease conclusively. Therefore, this variant is classified as a Variant of Uncertain Significance.

This study involves interpretation of variants in research participants for the purpose of population health screening. Participant phenotype was not available at the time of variant classification. Additional details can be found in publication PMID: 35346344, PMCID: PMC8962531

Color Diagnostics, LLC DBA Color Health
Classification: Uncertain significance for Wilms tumor 1. Last evaluated: 2023-10-18. Review status: criteria provided, single submitter. Criteria: ACMG Guidelines, 2015. Collection method: clinical testing. Allele origin: germline.
Comment: This missense variant replaces asparagine with histidine at codon 399 of the WT1 protein. Computational prediction suggests that this variant may not impact protein structure and function. To our knowledge, functional studies have not been reported for this variant. This variant has not been reported in individuals affected with WT1-related disorders in the literature. This variant has been identified in 1/251460 chromosomes in the general population by the Genome Aggregation Database (gnomAD). The available evidence is insufficient to determine the role of this variant in disease conclusively. Therefore, this variant is classified as a Variant of Uncertain Significance.

NM_024426.6(WT1):c.1210A>C (p.Asn404His)

Gene: WT1 (WT1 transcription factor; minus strand). Cytogenetic location: 11p13.
Variant type: single nucleotide variant.
Coding change: c.1210A>C on transcript NM_024426.6 (MANE Select); coding-DNA position 1210, A replaced by C.
Protein change: p.Asn404His; replaces asparagine 404 with histidine.
Molecular consequence: missense variant. On other transcripts: non-coding transcript variant (1).
Genome position (GRCh38, 1-based): chr11:32,396,311, T>G on the plus strand (A>C on the coding strand, the complement: WT1 is on the minus strand). VCF-style: chr11-32396311-T-G. GRCh37 (hg19) VCF-style: chr11-32417857-T-G.
Other names: c.1195A>C (NM_024426.4); c.1159A>C, p.Asn387His (NM_000378.6, NM_001407045.1, NM_001407048.1 and 1 more transcripts); c.559A>C, p.Asn187His (NM_001198551.2); c.508A>C, p.Asn170His (NM_001198552.2); c.22A>C, p.Asn8His (NM_001367854.1); c.1204A>C, p.Asn402His (NM_001407044.1); c.1210A>C, p.Asn404His (NM_001407046.1, NM_024424.5); c.1087A>C, p.Asn363His (NM_001407047.1); and 3 more; short protein forms N170H, N187H, N387H, N404H, N8H, N382H, N346H, N363H.
Identifiers: ClinVar variation 1000130 (VCV001000130.10), dbSNP rs774976881, ClinGen allele CA064349.